The following is an entry in ClinVar:

ClinVar aggregate classification (germline): Pathogenic (1 of 4 stars; one submission).

Conditions:
Duchenne muscular dystrophy (DMD). Also called: Duchenne Muscular Dystrophy (DMD); MUSCULAR DYSTROPHY, PSEUDOHYPERTROPHIC PROGRESSIVE, DUCHENNE TYPE. Identifiers: Orphanet 98896, MedGen C0013264, MONDO:0010679, OMIM 310200.

Submission:

Labcorp Genetics (formerly Invitae), Labcorp
Classification: Pathogenic for Duchenne muscular dystrophy. Last evaluated: 2019-11-18. Review status: criteria provided, single submitter. Criteria: Invitae Variant Classification Sherloc (09022015). Collection method: clinical testing. Allele origin: germline.
Comment: For these reasons, this variant has been classified as Pathogenic. Loss-of-function variants in DMD are known to be pathogenic (PMID: 16770791, 25007885). This variant has not been reported in the literature in individuals with DMD-related conditions. This variant is not present in population databases (ExAC no frequency). This sequence change creates a premature translational stop signal (p.Gln2301*) in the DMD gene. It is expected to result in an absent or disrupted protein product.

Literature cited by the submitters: PubMed 16770791; PubMed 25007885.

NM_004006.3(DMD):c.6901C>T (p.Gln2301Ter)

Gene: DMD (dystrophin; minus strand). Cytogenetic location: Xp21.1.
Variant type: single nucleotide variant.
Coding change: c.6901C>T on transcript NM_004006.3 (MANE Select); coding-DNA position 6901, C replaced by T.
Protein change: p.Gln2301Ter; replaces glutamine 2301 with a stop codon.
Molecular consequence: nonsense. On other transcripts: 5 prime UTR variant (5).
Genome position (GRCh38, 1-based): chrX:31,929,607, G>A on the plus strand (C>T on the coding strand, the complement: DMD is on the minus strand). VCF-style: chrX-31929607-G-A. GRCh37 (hg19) VCF-style: chrX-31947724-G-A.
Other names: c.6877C>T, p.Gln2293Ter (NM_000109.4); c.6889C>T, p.Gln2297Ter (NM_004009.3); c.6532C>T, p.Gln2178Ter (NM_004010.3); c.2878C>T, p.Gln960Ter (NM_004011.4); c.2869C>T, p.Gln957Ter (NM_004012.4); c.-480C>T (NM_004013.3, NM_004020.4, NM_004021.3 and 2 more transcripts); short protein forms Q2301*, Q957*, Q960*, Q2178*, Q2297*, Q2293*.
Identifiers: ClinVar variation 856607 (VCV000856607.8), dbSNP rs2094827204, ClinGen allele CA412657776.